The following is an entry in ClinVar:

ClinVar aggregate classification (germline): Uncertain significance (0 of 4 stars; one submission).

Conditions:
TRIOBP-related disorder. Also called: TRIOBP-related condition.

gnomAD v4.1: 20 of 1,611,746 alleles (0.0012%); highest among the groups gnomAD compares: South Asian, 0.0066%; no homozygotes.

Submission:

PreventionGenetics, part of Exact Sciences
Classification: Uncertain significance for TRIOBP-related condition. Last evaluated: 2024-08-21. Review status: no assertion criteria provided. Collection method: clinical testing. Allele origin: germline.
Comment: The TRIOBP c.6116G>A variant is predicted to result in the amino acid substitution p.Arg2039Gln. To our knowledge, this variant has not been reported in the literature. This variant is reported in 0.0041% of alleles in individuals of African descent in gnomAD. At this time, the clinical significance of this variant is uncertain due to the absence of conclusive functional and genetic evidence.

NM_001039141.3(TRIOBP):c.6116G>A (p.Arg2039Gln)

Gene: TRIOBP (TRIO and F-actin binding protein; plus strand). Cytogenetic location: 22q13.1.
Variant type: single nucleotide variant.
Coding change: c.6116G>A on transcript NM_001039141.3 (MANE Select); coding-DNA position 6116, G replaced by A.
Protein change: p.Arg2039Gln; replaces arginine 2039 with glutamine.
Molecular consequence: missense variant.
Genome position (GRCh38, 1-based): chr22:37,758,041, G>A. VCF-style: chr22-37758041-G-A. GRCh37 (hg19) VCF-style: chr22-38154048-G-A.
Other names: c.977G>A, p.Arg326Gln (NM_007032.5, NM_138632.2); short protein forms R2039Q, R326Q.
Identifiers: ClinVar variation 3352286 (VCV003352286.1).